The following is an entry in ClinVar:

ClinVar aggregate classification (germline): Conflicting classifications of pathogenicity. Review status: criteria provided, conflicting classifications (1 of 4 stars). 2 submissions from 2 submitters: Uncertain significance (1); Likely benign (1). Last evaluated 2022-02-23.

Conditions:
Inborn genetic diseases. Identifiers: MedGen C0950123, MeSH D030342.
Joubert syndrome 8 (JBTS8). Identifiers: Orphanet 475, MedGen C2676771, MONDO:0012855, OMIM 612291.

Submissions (2):

Labcorp Genetics (formerly Invitae), Labcorp
Classification: Uncertain significance for Joubert syndrome 8. Last evaluated: 2022-02-23. Review status: criteria provided, single submitter. Criteria: Invitae Variant Classification Sherloc (09022015). Collection method: clinical testing. Allele origin: germline.
Comment: In summary, the available evidence is currently insufficient to determine the role of this variant in disease. Therefore, it has been classified as a Variant of Uncertain Significance. Algorithms developed to predict the effect of missense changes on protein structure and function output the following: SIFT: "Tolerated"; PolyPhen-2: "Benign"; Align-GVGD: "Class C0". The serine amino acid residue is found in multiple mammalian species, which suggests that this missense change does not adversely affect protein function. ClinVar contains an entry for this variant (Variation ID: 999431). This variant has not been reported in the literature in individuals affected with ARL13B-related conditions. This variant is not present in population databases (gnomAD no frequency). This sequence change replaces asparagine, which is neutral and polar, with serine, which is neutral and polar, at codon 356 of the ARL13B protein (p.Asn356Ser).

Ambry Genetics
Classification: Likely benign for Inborn genetic diseases. Last evaluated: 2022-02-08. Review status: criteria provided, single submitter. Criteria: Ambry Variant Classification Scheme 2023. Collection method: clinical testing. Allele origin: germline.

NM_001174150.2(ARL13B):c.1067A>G (p.Asn356Ser)

Gene: ARL13B (ARF like GTPase 13B; plus strand). Cytogenetic location: 3q11.2.
Variant type: single nucleotide variant.
Coding change: c.1067A>G on transcript NM_001174150.2 (MANE Select); coding-DNA position 1067, A replaced by G.
Protein change: p.Asn356Ser; replaces asparagine 356 with serine.
Molecular consequence: missense variant. On other transcripts: non-coding transcript variant (2).
Genome position (GRCh38, 1-based): chr3:94,049,448, A>G. VCF-style: chr3-94049448-A-G. GRCh37 (hg19) VCF-style: chr3-93768292-A-G.
Other names: c.1067A>G (NM_182896.2); c.758A>G, p.Asn253Ser (NM_001174151.2); c.1022A>G, p.Asn341Ser (NM_001321328.2); c.746A>G, p.Asn249Ser (NM_144996.4); c.1067A>G, p.Asn356Ser (NM_182896.3); short protein forms N249S, N253S, N341S, N356S.
Identifiers: ClinVar variation 999431 (VCV000999431.7), dbSNP rs2077033566, ClinGen allele CA353679432.